The following is an entry in ClinVar:

ClinVar aggregate classification (germline): Conflicting classifications of pathogenicity. Review status: criteria provided, conflicting classifications (1 of 4 stars). 2 submissions from 2 submitters: Uncertain significance (1); Benign (1). Last evaluated 2025-09-09.

Conditions:
Familial adenomatous polyposis 2. Also called: COLORECTAL ADENOMATOUS POLYPOSIS, AUTOSOMAL RECESSIVE; ADENOMAS, MULTIPLE COLORECTAL, AUTOSOMAL RECESSIVE; MYH-associated polyposis; MUTYH Polyposis; Adenomas, multiple colorectal; MUTYH-associated polyposis. Identifiers: Orphanet 220460, Orphanet 247798, MedGen C3272841, MONDO:0012041, OMIM 608456.
Hereditary cancer-predisposing syndrome. Also called: Tumor predisposition; Neoplastic Syndromes, Hereditary; Hereditary Cancer Syndrome; Hereditary neoplastic syndrome. Identifiers: Orphanet 140162, MedGen C0027672, MeSH D009386, MONDO:0015356.

Submissions (2):

Ambry Genetics
Classification: Benign for Hereditary cancer-predisposing syndrome. Last evaluated: 2025-09-09. Review status: criteria provided, single submitter. Criteria: Ambry Variant Classification Scheme 2023. Collection method: clinical testing. Allele origin: germline.

Labcorp Genetics (formerly Invitae), Labcorp
Classification: Uncertain significance for Familial adenomatous polyposis 2. Last evaluated: 2022-05-10. Review status: criteria provided, single submitter. Criteria: Invitae Variant Classification Sherloc (09022015). Collection method: clinical testing. Allele origin: germline.
Comment: In summary, the available evidence is currently insufficient to determine the role of this variant in disease. Therefore, it has been classified as a Variant of Uncertain Significance. Algorithms developed to predict the effect of missense changes on protein structure and function output the following: SIFT: "Tolerated"; PolyPhen-2: "Benign"; Align-GVGD: "Class C0". The alanine amino acid residue is found in multiple mammalian species, which suggests that this missense change does not adversely affect protein function. ClinVar contains an entry for this variant (Variation ID: 651034). This variant has not been reported in the literature in individuals affected with MUTYH-related conditions. This variant is not present in population databases (gnomAD no frequency). This sequence change replaces serine, which is neutral and polar, with alanine, which is neutral and non-polar, at codon 372 of the MUTYH protein (p.Ser372Ala).

Literature cited by the submitters: PubMed 40738107 (cited by Ambry Genetics).

NM_001048174.2(MUTYH):c.1030T>G (p.Ser344Ala)

Gene: MUTYH (mutY DNA glycosylase; minus strand). Cytogenetic location: 1p34.1.
Variant type: single nucleotide variant.
Coding change: c.1030T>G on transcript NM_001048174.2 (MANE Select); coding-DNA position 1030, T replaced by G.
Protein change: p.Ser344Ala; replaces serine 344 with alanine.
Molecular consequence: missense variant. On other transcripts: non-coding transcript variant (2).
Genome position (GRCh38, 1-based): chr1:45,331,733, A>C on the plus strand (T>G on the coding strand, the complement: MUTYH is on the minus strand). VCF-style: chr1-45331733-A-C. GRCh37 (hg19) VCF-style: chr1-45797405-A-C.
Other names: c.1030T>G, p.Ser344Ala (NM_001048171.2, NM_001048173.2, NM_001293195.2); c.1033T>G, p.Ser345Ala (NM_001048172.2); c.1114T>G, p.Ser372Ala (NM_001128425.2); c.1075T>G, p.Ser359Ala (NM_001293190.2); c.1063T>G, p.Ser355Ala (NM_001293191.2); c.754T>G, p.Ser252Ala (NM_001293192.2, NM_001293196.2); c.685T>G, p.Ser229Ala (NM_001350650.2, NM_001350651.2); c.1105T>G, p.Ser369Ala (NM_012222.3); short protein forms S252A, S355A, S359A, S369A, S344A, S345A, S372A, S229A.
Identifiers: ClinVar variation 651034 (VCV000651034.10), dbSNP rs587782261, ClinGen allele CA340133508.